The following is an entry in ClinVar:

ClinVar aggregate classification (germline): Likely benign (0 of 4 stars; one submission).

Conditions:
LAMA5-related disorder. Also called: LAMA5-related condition; LAMA5-Related Disorders.

Allele frequency attached by ClinVar (database versions not stated): gnomAD exomes 0.00002; TOPMed 0.00002; gnomAD 0.00003; ExAC 0.00005.
gnomAD v4.1: 26 of 1,610,992 alleles (0.0016%); highest among the groups gnomAD compares: South Asian, 0.014%; no homozygotes.

Submission:

PreventionGenetics, part of Exact Sciences
Classification: Likely benign for LAMA5-related condition. Last evaluated: 2024-05-04. Review status: no assertion criteria provided. Collection method: clinical testing. Allele origin: germline.
Comment: This variant is classified as likely benign based on ACMG/AMP sequence variant interpretation guidelines (Richards et al. 2015 PMID: 25741868, with internal and published modifications).

NM_005560.6(LAMA5):c.10735-6C>T

Gene: LAMA5 (laminin subunit alpha 5; minus strand). Cytogenetic location: 20q13.33.
Variant type: single nucleotide variant.
Coding change: c.10735-6C>T on transcript NM_005560.6 (MANE Select); 6 bases into the intron before coding-DNA position 10735, C replaced by T.
Molecular consequence: intron variant.
Genome position (GRCh38, 1-based): chr20:62,310,087, G>A on the plus strand (C>T on the coding strand, the complement: LAMA5 is on the minus strand). VCF-style: chr20-62310087-G-A. GRCh37 (hg19) VCF-style: chr20-60885143-G-A.
Identifiers: ClinVar variation 2628631 (VCV002628631.2), dbSNP rs748494907, ClinGen allele CA9939644.